The following is an entry in ClinVar:

NM_001953.5(TYMP):c.161delinsCAGATGTGTATAAGAGA (p.Ile54fs)

Gene: TYMP (thymidine phosphorylase; minus strand). Cytogenetic location: 22q13.33.
Variant type: Indel.
Coding change: c.161delinsCAGATGTGTATAAGAGA on transcript NM_001953.5 (MANE Select); coding-DNA position 161, T replaced by CAGATGTGTATAAGAGA.
Protein change: p.Ile54fs; shifts the reading frame from isoleucine 54.
Molecular consequence: frameshift variant.
Genome position (GRCh38, 1-based): chr22:50,529,549, A replaced by TCTCTTATACACATCTG on the plus strand (T replaced by CAGATGTGTATAAGAGA on the coding strand, the reverse complement: TYMP is on the minus strand). VCF-style: chr22-50529549-A-TCTCTTATACACATCTG. GRCh37 (hg19) VCF-style: chr22-50967978-A-TCTCTTATACACATCTG.
Other names: c.161delinsCAGATGTGTATAAGAGA, p.Ile54fs (NM_001113755.3, NM_001113756.3, NM_001257988.1 and 1 more transcripts); short protein forms I54fs.
Identifiers: ClinVar variation 5016423 (VCV005016423.1).

ClinVar aggregate classification (germline): Pathogenic (1 of 4 stars; one submission).

Conditions:
Mitochondrial DNA depletion syndrome 1. Also called: POLIP SYNDROME; POLYNEUROPATHY, OPHTHALMOPLEGIA, LEUKOENCEPHALOPATHY, AND INTESTINAL PSEUDOOBSTRUCTION; Mitochondrial Neurogastrointestinal Encephalopathy Disease; MITOCHONDRIAL NEUROGASTROINTESTINAL ENCEPHALOPATHY SYNDROME, TYMP-RELATED; MNGIE, TYMP-RELATED; Mitochondrial neurogastrointestinal encephalomyopathy syndrome. Identifiers: Orphanet 298, MedGen C4551995, MONDO:0011283, OMIM 603041.

Submission:

Myriad Genetics, Inc.
Classification: Pathogenic for Mitochondrial DNA depletion syndrome 1. Last evaluated: 2026-03-19. Review status: criteria provided, single submitter. Criteria: Myriad Autosomal Dominant, Autosomal Recessive and X-Linked Classification Criteria (2023). Collection method: clinical testing. Allele origin: unknown.
Comment: NM_001953.4(TYMP):c.161del1ins17(I54Tfs*75) is expected to be pathogenic in the context of mitochondrial neurogastrointestinal encephalopathy disease. This variant is predicted to lead to an abnormal or absent protein product due to the creation of a premature termination codon in TYMP, a gene where loss-of-function variants are known to be pathogenic. Please note: this variant was assessed in the context of healthy population screening.